The following is an entry in ClinVar:

NM_001112741.2(KCNC1):c.409G>A (p.Asp137Asn)

Gene: KCNC1 (potassium voltage-gated channel subfamily C member 1; plus strand). Cytogenetic location: 11p15.1.
Variant type: single nucleotide variant.
Coding change: c.409G>A on transcript NM_001112741.2 (MANE Select); coding-DNA position 409, G replaced by A.
Protein change: p.Asp137Asn; replaces aspartic acid 137 with asparagine.
Molecular consequence: missense variant.
Genome position (GRCh38, 1-based): chr11:17,736,411, G>A. VCF-style: chr11-17736411-G-A. GRCh37 (hg19) VCF-style: chr11-17757958-G-A.
Other names: c.409G>A, p.Asp137Asn (NM_004976.4); short protein forms D137N.
Identifiers: ClinVar variation 847604 (VCV000847604.10), dbSNP rs1848766389, ClinGen allele CA379801196.

ClinVar aggregate classification (germline): Uncertain significance (1 of 4 stars; one submission).

Conditions:
Progressive myoclonic epilepsy type 7. Identifiers: Orphanet 435438, MedGen C4015420, MONDO:0014521, OMIM 616187.

Submission:

Labcorp Genetics (formerly Invitae), Labcorp
Classification: Uncertain significance for Progressive myoclonic epilepsy type 7. Last evaluated: 2019-05-12. Review status: criteria provided, single submitter. Criteria: Invitae Variant Classification Sherloc (09022015). Collection method: clinical testing. Allele origin: germline.
Comment: In summary, the available evidence is currently insufficient to determine the role of this variant in disease. Therefore, it has been classified as a Variant of Uncertain Significance. Algorithms developed to predict the effect of missense changes on protein structure and function are either unavailable or do not agree on the potential impact of this missense change (SIFT: "Deleterious"; PolyPhen-2: "Benign"; Align-GVGD: "Class C0"). This variant has not been reported in the literature in individuals with KCNC1-related conditions. This variant is not present in population databases (ExAC no frequency). This sequence change replaces aspartic acid with asparagine at codon 137 of the KCNC1 protein (p.Asp137Asn). The aspartic acid residue is moderately conserved and there is a small physicochemical difference between aspartic acid and asparagine.